The following is an entry in ClinVar:

ClinVar aggregate classification (germline): Uncertain significance (1 of 4 stars; one submission).

Conditions:
Perlman syndrome (PRLMNS). Identifiers: Orphanet 2849, MedGen C0796113, MONDO:0009965, OMIM 267000.

Submission:

Labcorp Genetics (formerly Invitae), Labcorp
Classification: Uncertain significance for Perlman syndrome. Last evaluated: 2024-04-08. Review status: criteria provided, single submitter. Criteria: Invitae Variant Classification Sherloc (09022015). Collection method: clinical testing. Allele origin: germline.
Comment: This sequence change replaces threonine, which is neutral and polar, with isoleucine, which is neutral and non-polar, at codon 248 of the DIS3L2 protein (p.Thr248Ile). This variant is not present in population databases (gnomAD no frequency). This variant has not been reported in the literature in individuals affected with DIS3L2-related conditions. Advanced modeling of protein sequence and biophysical properties (such as structural, functional, and spatial information, amino acid conservation, physicochemical variation, residue mobility, and thermodynamic stability) performed at Invitae indicates that this missense variant is not expected to disrupt DIS3L2 protein function with a negative predictive value of 80%. In summary, the available evidence is currently insufficient to determine the role of this variant in disease. Therefore, it has been classified as a Variant of Uncertain Significance.

NM_152383.5(DIS3L2):c.743C>T (p.Thr248Ile)

Gene: DIS3L2 (DIS3 like 3'-5' exoribonuclease 2; plus strand). Cytogenetic location: 2q37.1.
Variant type: single nucleotide variant.
Coding change: c.743C>T on transcript NM_152383.5 (MANE Select); coding-DNA position 743, C replaced by T.
Protein change: p.Thr248Ile; replaces threonine 248 with isoleucine.
Molecular consequence: missense variant. On other transcripts: non-coding transcript variant (1).
Genome position (GRCh38, 1-based): chr2:232,136,512, C>T. VCF-style: chr2-232136512-C-T. GRCh37 (hg19) VCF-style: chr2-233001222-C-T.
Other names: c.743C>T, p.Thr248Ile (NM_001257281.2); short protein forms T248I.
Identifiers: ClinVar variation 2703850 (VCV002703850.3), dbSNP rs2469848279, ClinGen allele CA351153496.